The following is an entry in ClinVar:

NM_000890.5(KCNJ5):c.610AAC[1] (p.Asn205del)

Gene: KCNJ5 (potassium inwardly rectifying channel subfamily J member 5; plus strand). Cytogenetic location: 11q24.3.
Variant type: Microsatellite.
Coding change: c.610AAC[1] on transcript NM_000890.5 (MANE Select); one copy of the 3-base unit AAC starting at c.610; the reference has two copies in a row; one copy, 3 bases deleted.
Protein change: p.Asn205del; deletes asparagine 205.
Genome position (GRCh38, 1-based): chr11:128,911,886-128,911,888, AAC deleted; deleting any 3 consecutive bases within chr11:128,911,882-128,911,888 gives the same sequence; the position shown is the placement nearest the transcript's 3' end. VCF-style (leftmost placement, unchanged base first): chr11-128911881-CCAA-C. GRCh37 (hg19) VCF-style: chr11-128781776-CCAA-C.
Other names: c.610AAC[1], p.Asn205del (NM_001354169.2); short protein forms N205del.
Identifiers: ClinVar variation 3654952 (VCV003654952.2).

ClinVar aggregate classification (germline): Uncertain significance (1 of 4 stars; one submission).

Conditions:
Long QT syndrome (LQTS). Identifiers: MedGen C0023976, MeSH D008133, MONDO:0002442. Disease mechanism: loss of function. Inheritance: Various modes of inheritance.

Submission:

Labcorp Genetics (formerly Invitae), Labcorp
Classification: Uncertain significance for Long QT syndrome. Last evaluated: 2024-05-29. Review status: criteria provided, single submitter. Criteria: Invitae Variant Classification Sherloc (09022015). Collection method: clinical testing. Allele origin: germline.
Comment: This variant, c.613_615del, results in the deletion of 1 amino acid(s) of the KCNJ5 protein (p.Asn205del), but otherwise preserves the integrity of the reading frame. This variant is not present in population databases (gnomAD no frequency). This variant has not been reported in the literature in individuals affected with KCNJ5-related conditions. Experimental studies and prediction algorithms are not available or were not evaluated, and the functional significance of this variant is currently unknown. In summary, the available evidence is currently insufficient to determine the role of this variant in disease. Therefore, it has been classified as a Variant of Uncertain Significance.